The following is an entry in ClinVar:

ClinVar aggregate classification (germline): Uncertain significance. Review status: criteria provided, multiple submitters, no conflicts (2 of 4 stars). 2 submissions from 2 submitters: Uncertain significance (2). Last evaluated 2023-10-03.

Conditions:
Orofacial-digital syndrome IV (OFD4). Also called: OFD SYNDROME WITH TIBIAL DEFECTS; OFD SYNDROME, BARAITSER-BURN TYPE; OFDS IV; ORAL-FACIAL-DIGITAL SYNDROME, TYPE IV; Orofaciodigital syndrome IV; MOHR-MAJEWSKI SYNDROME. Identifiers: Orphanet 2753, MedGen C0406727, MONDO:0009794, OMIM 258860.
Joubert syndrome 18 (JBTS18). Identifiers: Orphanet 2754, MedGen C3553758, MONDO:0013896, OMIM 614815.
Inborn genetic diseases. Identifiers: MedGen C0950123, MeSH D030342.

Allele frequency attached by ClinVar (database versions not stated): gnomAD exomes below 0.00001.
gnomAD v4.1: 2 of 1,613,972 alleles (0.00012%); highest among the groups gnomAD compares: Non-Finnish European, 0.000085%; no homozygotes.

Submissions (2):

Ambry Genetics
Classification: Uncertain significance for Inborn genetic diseases. Last evaluated: 2023-10-03. Review status: criteria provided, single submitter. Criteria: Ambry Variant Classification Scheme 2023. Collection method: clinical testing. Allele origin: germline.

Labcorp Genetics (formerly Invitae), Labcorp
Classification: Uncertain significance for Joubert syndrome 18; Orofacial-digital syndrome IV. Last evaluated: 2017-12-21. Review status: criteria provided, single submitter. Criteria: Invitae Variant Classification Sherloc (09022015). Collection method: clinical testing. Allele origin: germline.
Comment: In summary, the available evidence is currently insufficient to determine the role of this variant in disease. Therefore, it has been classified as a Variant of Uncertain Significance. Algorithms developed to predict the effect of missense changes on protein structure and function (SIFT, PolyPhen-2, Align-GVGD) all suggest that this variant is likely to be disruptive, but these predictions have not been confirmed by published functional studies and their clinical significance is uncertain. This variant has not been reported in the literature in individuals with TCTN3-related disease. This variant is not present in population databases (ExAC no frequency). This sequence change replaces asparagine with serine at codon 243 of the TCTN3 protein (p.Asn243Ser). The asparagine residue is highly conserved and there is a small physicochemical difference between asparagine and serine.

NM_015631.6(TCTN3):c.728A>G (p.Asn243Ser)

Gene: TCTN3 (tectonic family member 3; minus strand). Cytogenetic location: 10q24.1.
Variant type: single nucleotide variant.
Coding change: c.728A>G on transcript NM_015631.6 (MANE Select); coding-DNA position 728, A replaced by G.
Protein change: p.Asn243Ser; replaces asparagine 243 with serine.
Molecular consequence: missense variant. On other transcripts: intron variant (1).
Genome position (GRCh38, 1-based): chr10:95,687,255, T>C on the plus strand (A>G on the coding strand, the complement: TCTN3 is on the minus strand). VCF-style: chr10-95687255-T-C. GRCh37 (hg19) VCF-style: chr10-97447012-T-C.
Other names: c.500-96A>G (NM_001143973.2); short protein forms N243S.
Identifiers: ClinVar variation 540482 (VCV000540482.9), dbSNP rs1555270274, ClinGen allele CA377707482.